The following is an entry in ClinVar:

ClinVar aggregate classification (germline): Uncertain significance (1 of 4 stars; one submission).

Allele frequency attached by ClinVar (database versions not stated): gnomAD 0.00001; gnomAD exomes 0.00001; TOPMed 0.00001.
gnomAD v4.1: 10 of 1,613,082 alleles (0.00062%); highest among the groups gnomAD compares: East Asian, 0.016%; no homozygotes.

Submission:

Labcorp Genetics (formerly Invitae), Labcorp
Classification: Uncertain significance. Last evaluated: 2022-03-04. Review status: criteria provided, single submitter. Criteria: Invitae Variant Classification Sherloc (09022015). Collection method: clinical testing. Allele origin: germline.
Comment: Algorithms developed to predict the effect of missense changes on protein structure and function (SIFT, PolyPhen-2, Align-GVGD) all suggest that this variant is likely to be disruptive. This variant has not been reported in the literature in individuals affected with IL6R-related conditions. This variant is present in population databases (no rsID available, gnomAD 0.006%). This sequence change replaces arginine, which is basic and polar, with histidine, which is basic and polar, at codon 293 of the IL6R protein (p.Arg293His). In summary, the available evidence is currently insufficient to determine the role of this variant in disease. Therefore, it has been classified as a Variant of Uncertain Significance.

NM_000565.4(IL6R):c.878G>A (p.Arg293His)

Gene: IL6R (interleukin 6 receptor; plus strand). Cytogenetic location: 1q21.3.
Variant type: single nucleotide variant.
Coding change: c.878G>A on transcript NM_000565.4 (MANE Select); coding-DNA position 878, G replaced by A.
Protein change: p.Arg293His; replaces arginine 293 with histidine.
Molecular consequence: missense variant.
Genome position (GRCh38, 1-based): chr1:154,436,039, G>A. VCF-style: chr1-154436039-G-A. GRCh37 (hg19) VCF-style: chr1-154408515-G-A.
Other names: c.878G>A, p.Arg293His (NM_001206866.2, NM_001382769.1, NM_001382770.1 and 3 more transcripts); c.872G>A, p.Arg291His (NM_001382772.1); c.518G>A, p.Arg173His (NM_001382774.1); short protein forms R173H, R291H, R293H.
Identifiers: ClinVar variation 2416314 (VCV002416314.6), dbSNP rs893097648, ClinGen allele CA30799866.